The following is an entry in ClinVar:

ClinVar aggregate classification (germline): Uncertain significance (1 of 4 stars; one submission).

Conditions:
Androgen resistance syndrome (AIS). Also called: TESTICULAR FEMINIZATION SYNDROME; Androgen insensitivity, complete; Androgen insensitivity syndrome; Androgen insensitivity syndrome due to coactivator deficiency; DHTR DEFICIENCY; ANDROGEN RECEPTOR DEFICIENCY. Identifiers: Orphanet 754, Orphanet 99429, MedGen C0039585, MONDO:0019154, OMIM 300068. Disease mechanism: loss of function.
Kennedy disease (SMAX1). Also called: KENNEDY SPINAL AND BULBAR MUSCULAR ATROPHY; Spinal and Bulbar Muscular Atrophy; SPINAL AND BULBAR MUSCULAR ATROPHY, X-LINKED 1. Identifiers: Orphanet 481, MedGen C1839259, MONDO:0010735, OMIM 313200.

Submission:

Labcorp Genetics (formerly Invitae), Labcorp
Classification: Uncertain significance for Kennedy disease; Androgen resistance syndrome. Last evaluated: 2019-11-26. Review status: criteria provided, single submitter. Criteria: Invitae Variant Classification Sherloc (09022015). Collection method: clinical testing. Allele origin: germline.
Comment: In summary, the available evidence is currently insufficient to determine the role of this variant in disease. Therefore, it has been classified as a Variant of Uncertain Significance. This variant disrupts the p.Ala242 (also reported as p.Ala240) amino acid residue in AR. Other variant(s) that disrupt this residue have been observed in individuals with AR-related conditions (PMID: 21962961), which suggests that this may be a clinically significant amino acid residue. Algorithms developed to predict the effect of sequence changes on RNA splicing suggest that this variant may create or strengthen a splice site, but this prediction has not been confirmed by published transcriptional studies. Algorithms developed to predict the effect of missense changes on protein structure and function are either unavailable or do not agree on the potential impact of this missense change (SIFT: "Deleterious"; PolyPhen-2: "Probably Damaging"; Align-GVGD: "Class C0"). This variant has not been reported in the literature in individuals with AR-related conditions. This variant is not present in population databases (ExAC no frequency). This sequence change replaces alanine with valine at codon 242 of the AR protein (p.Ala242Val). The alanine residue is moderately conserved and there is a small physicochemical difference between alanine and valine.

Literature cited by the submitters: PubMed 21962961.

NM_000044.6(AR):c.725C>T (p.Ala242Val)

Gene: AR (androgen receptor; plus strand). Cytogenetic location: Xq12.
Variant type: single nucleotide variant.
Coding change: c.725C>T on transcript NM_000044.6 (MANE Select); coding-DNA position 725, C replaced by T.
Protein change: p.Ala242Val; replaces alanine 242 with valine.
Molecular consequence: missense variant. On other transcripts: 5 prime UTR variant (1).
Genome position (GRCh38, 1-based): chrX:67,545,871, C>T. VCF-style: chrX-67545871-C-T. GRCh37 (hg19) VCF-style: chrX-66765713-C-T.
Other names: c.-1059C>T (NM_001011645.3); c.725C>T, p.Ala242Val (NM_001348061.1, NM_001348063.1, NM_001348064.1); short protein forms A242V.
Identifiers: ClinVar variation 853791 (VCV000853791.9), dbSNP rs1929701757, ClinGen allele CA413425513.